The following is an entry in ClinVar:

NM_001077350.3(NPRL3):c.1303G>A (p.Gly435Ser)

Genes: HBA-LCR (alpha-globin locus control region; plus strand), NPRL3 (NPR3 like, GATOR1 complex subunit; minus strand). Cytogenetic location: 16p13.3.
Variant type: single nucleotide variant.
Coding change: c.1303G>A on transcript NM_001077350.3 (MANE Select); coding-DNA position 1303, G replaced by A.
Protein change: p.Gly435Ser; replaces glycine 435 with serine.
Molecular consequence: missense variant.
Genome position (GRCh38, 1-based): chr16:89,761, C>T on the plus strand (G>A on the coding strand, the complement: NPRL3 is on the minus strand). VCF-style: chr16-89761-C-T. GRCh37 (hg19) VCF-style: chr16-139759-C-T.
Other names: c.766G>A, p.Gly256Ser (NM_001039476.3); c.1069G>A, p.Gly357Ser (NM_001243247.2); c.1228G>A, p.Gly410Ser (NM_001243248.2, NM_001243249.2); short protein forms G256S, G357S, G410S, G435S.
Identifiers: ClinVar variation 2499712 (VCV002499712.4), dbSNP rs747774969, ClinGen allele CA276458508.

ClinVar aggregate classification (germline): Uncertain significance. Review status: criteria provided, multiple submitters, no conflicts (2 of 4 stars). 2 submissions from 2 submitters: Uncertain significance (2). Last evaluated 2025-01-11.

Conditions:
Epilepsy, familial focal, with variable foci 3 (FFEVF3). Identifiers: MedGen C4310708, MONDO:0014925, OMIM 617118.

Allele frequency attached by ClinVar (database versions not stated): gnomAD exomes below 0.00001; TOPMed below 0.00001; gnomAD 0.00001.
gnomAD v4.1: 5 of 1,596,480 alleles (0.00031%); highest among the groups gnomAD compares: East Asian, 0.0023%; no homozygotes.

Submissions (2):

Labcorp Genetics (formerly Invitae), Labcorp
Classification: Uncertain significance for Epilepsy, familial focal, with variable foci 3. Last evaluated: 2025-01-11. Review status: criteria provided, single submitter. Criteria: Invitae Variant Classification Sherloc (09022015). Collection method: clinical testing. Allele origin: germline.
Comment: This sequence change replaces glycine, which is neutral and non-polar, with serine, which is neutral and polar, at codon 435 of the NPRL3 protein (p.Gly435Ser). This variant is not present in population databases (gnomAD no frequency). This variant has not been reported in the literature in individuals affected with NPRL3-related conditions. ClinVar contains an entry for this variant (Variation ID: 2499712). Invitae Evidence Modeling of protein sequence and biophysical properties (such as structural, functional, and spatial information, amino acid conservation, physicochemical variation, residue mobility, and thermodynamic stability) indicates that this missense variant is not expected to disrupt NPRL3 protein function with a negative predictive value of 80%. Algorithms developed to predict the effect of sequence changes on RNA splicing suggest that this variant may create or strengthen a splice site. In summary, the available evidence is currently insufficient to determine the role of this variant in disease. Therefore, it has been classified as a Variant of Uncertain Significance.

GeneDx
Classification: Uncertain significance. Last evaluated: 2024-05-15. Review status: criteria provided, single submitter. Criteria: GeneDx Variant Classification Process June 2021. Collection method: clinical testing. Allele origin: germline.
Comment: Not observed at significant frequency in large population cohorts (gnomAD); In silico analysis supports a deleterious effect on splicing; Has not been previously published as pathogenic or benign to our knowledge; in silico analysis does not support a benign or deleterious effect of this variant on protein structure/function